The following is an entry in ClinVar:

ClinVar aggregate classification (germline): Uncertain significance. Review status: criteria provided, multiple submitters, no conflicts (2 of 4 stars). 3 submissions from 3 submitters: Uncertain significance (3). Last evaluated 2025-12-17.

Conditions:
Inborn genetic diseases. Identifiers: MedGen C0950123, MeSH D030342.

Allele frequency attached by ClinVar (database versions not stated): TOPMed 0.00001; gnomAD 0.00003 and 0.00004; gnomAD exomes 0.00004; ExAC 0.00005.
gnomAD v4.1: 31 of 1,614,120 alleles (0.0019%); highest among the groups gnomAD compares: Non-Finnish European, 0.0026%; no homozygotes.

Submissions (3):

Labcorp Genetics (formerly Invitae), Labcorp
Classification: Uncertain significance. Last evaluated: 2025-12-17. Review status: criteria provided, single submitter. Criteria: Invitae Variant Classification Sherloc (09022015). Collection method: clinical testing. Allele origin: germline.
Comment: This sequence change replaces glutamic acid, which is acidic and polar, with aspartic acid, which is acidic and polar, at codon 1373 of the DUOX2 protein (p.Glu1373Asp). This variant is present in population databases (rs200872016, gnomAD 0.01%). This variant has not been reported in the literature in individuals affected with DUOX2-related conditions. ClinVar contains an entry for this variant (Variation ID: 1495353). Invitae Evidence Modeling of protein sequence and biophysical properties (such as structural, functional, and spatial information, amino acid conservation, physicochemical variation, residue mobility, and thermodynamic stability) indicates that this missense variant is not expected to disrupt DUOX2 protein function with a negative predictive value of 80%. In summary, the available evidence is currently insufficient to determine the role of this variant in disease. Therefore, it has been classified as a Variant of Uncertain Significance.

CeGaT Center for Human Genetics Tuebingen
Classification: Uncertain significance. Last evaluated: 2025-11-01. Review status: criteria provided, single submitter. Criteria: CeGaT Center For Human Genetics Tuebingen Variant Classification Criteria Version 2. Collection method: clinical testing. Allele origin: germline. Affected: yes. Observed: 2 variant alleles.
Comment: DUOX2: PM2

Ambry Genetics
Classification: Uncertain significance for Inborn genetic diseases. Last evaluated: 2024-07-10. Review status: criteria provided, single submitter. Criteria: Ambry Variant Classification Scheme 2023. Collection method: clinical testing. Allele origin: germline.

NM_001363711.2(DUOX2):c.4119G>T (p.Glu1373Asp)

Gene: DUOX2 (dual oxidase 2; minus strand). Cytogenetic location: 15q21.1.
Variant type: single nucleotide variant.
Coding change: c.4119G>T on transcript NM_001363711.2 (MANE Select); coding-DNA position 4119, G replaced by T.
Protein change: p.Glu1373Asp; replaces glutamic acid 1373 with aspartic acid.
Molecular consequence: missense variant.
Genome position (GRCh38, 1-based): chr15:45,095,557, C>A on the plus strand (G>T on the coding strand, the complement: DUOX2 is on the minus strand). VCF-style: chr15-45095557-C-A. GRCh37 (hg19) VCF-style: chr15-45387755-C-A.
Other names: c.4119G>T (NM_014080.4); c.4119G>T, p.Glu1373Asp (NM_014080.5); short protein forms E1373D.
Identifiers: ClinVar variation 1495353 (VCV001495353.34), dbSNP rs200872016, ClinGen allele CA7537617.